The following is an entry in ClinVar:

ClinVar aggregate classification (germline): Uncertain significance (1 of 4 stars; one submission).

Conditions:
Rhabdoid tumor predisposition syndrome 2 (RTPS2). Identifiers: Orphanet 231108, Orphanet 69077, MedGen C2750074, MONDO:0013224, OMIM 613325.

Submission:

Labcorp Genetics (formerly Invitae), Labcorp
Classification: Uncertain significance for Rhabdoid tumor predisposition syndrome 2. Last evaluated: 2019-04-23. Review status: criteria provided, single submitter. Criteria: Invitae Variant Classification Sherloc (09022015). Collection method: clinical testing. Allele origin: germline.
Comment: This sequence change replaces glycine with arginine at codon 719 of the SMARCA4 protein (p.Gly719Arg). The glycine residue is moderately conserved and there is a moderate physicochemical difference between glycine and arginine. In summary, the available evidence is currently insufficient to determine the role of this variant in disease. Therefore, it has been classified as a Variant of Uncertain Significance. Algorithms developed to predict the effect of missense changes on protein structure and function are either unavailable or do not agree on the potential impact of this missense change (SIFT: "Deleterious"; PolyPhen-2: "Benign"; Align-GVGD: "Class C0"). This variant has not been reported in the literature in individuals with SMARCA4-related conditions. This variant is not present in population databases (ExAC no frequency).

NM_003072.5(SMARCA4):c.2155G>C (p.Gly719Arg)

Gene: SMARCA4 (SWI/SNF related BAF chromatin remodeling complex subunit ATPase 4; plus strand). Cytogenetic location: 19p13.2.
Variant type: single nucleotide variant.
Coding change: c.2155G>C on transcript NM_003072.5 (MANE Select); coding-DNA position 2155, G replaced by C.
Protein change: p.Gly719Arg; replaces glycine 719 with arginine.
Molecular consequence: missense variant. On other transcripts: non-coding transcript variant (1).
Genome position (GRCh38, 1-based): chr19:11,010,412, G>C. VCF-style: chr19-11010412-G-C. GRCh37 (hg19) VCF-style: chr19-11121088-G-C.
Other names: c.2155G>C, p.Gly719Arg (NM_001128844.3, NM_001128845.2, NM_001128846.2 and 4 more transcripts); short protein forms G719R.
Identifiers: ClinVar variation 854587 (VCV000854587.9), dbSNP rs2088712670, ClinGen allele CA404052723.